The following is an entry in ClinVar:

NM_005862.3(STAG1):c.282dup (p.Lys95fs)

Gene: STAG1 (STAG1 cohesin complex component; minus strand). Cytogenetic location: 3q22.3.
Variant type: Duplication.
Coding change: c.282dup on transcript NM_005862.3 (MANE Select); coding-DNA position 282, one base duplicated (G; older notation c.282dupG).
Protein change: p.Lys95fs; shifts the reading frame from lysine 95.
Molecular consequence: frameshift variant.
Genome position (GRCh38, 1-based): chr3:136,604,324, C duplicated on the plus strand (G on the coding strand, the reverse complement: STAG1 is on the minus strand); the first of 4 consecutive C bases (chr3:136,604,324-136,604,327); duplicating any one gives the same sequence. VCF-style (leftmost placement, unchanged base first): chr3-136604323-T-TC. GRCh37 (hg19) VCF-style: chr3-136323165-T-TC.
Other names: short protein forms K95fs.
Identifiers: ClinVar variation 3650660 (VCV003650660.2).

ClinVar aggregate classification (germline): Pathogenic (1 of 4 stars; one submission).

Submission:

Labcorp Genetics (formerly Invitae), Labcorp
Classification: Pathogenic. Last evaluated: 2024-04-24. Review status: criteria provided, single submitter. Criteria: Invitae Variant Classification Sherloc (09022015). Collection method: clinical testing. Allele origin: germline.
Comment: This sequence change creates a premature translational stop signal (p.Lys95Glufs*10) in the STAG1 gene. It is expected to result in an absent or disrupted protein product. Loss-of-function variants in STAG1 are known to be pathogenic (PMID: 28119487). This variant is not present in population databases (gnomAD no frequency). This variant has not been reported in the literature in individuals affected with STAG1-related conditions. For these reasons, this variant has been classified as Pathogenic.

Literature cited by the submitters: PubMed 28119487.